The following is an entry in ClinVar:

ClinVar aggregate classification (germline): Uncertain significance (1 of 4 stars; one submission).

Submission:

GeneDx
Classification: Uncertain significance. Last evaluated: 2019-07-11. Review status: criteria provided, single submitter. Criteria: GeneDx Variant Classification Process June 2021. Collection method: clinical testing. Allele origin: germline. Affected: yes.
Comment: Not observed in large population cohorts (Lek et al., 2016); In silico analysis, which includes protein predictors and evolutionary conservation, supports a deleterious effect; Has not been previously published as pathogenic or benign to our knowledge

NM_004656.4(BAP1):c.71T>G (p.Val24Gly)

Gene: BAP1 (BRCA1 associated protein 1; minus strand). Cytogenetic location: 3p21.1.
Variant type: single nucleotide variant.
Coding change: c.71T>G on transcript NM_004656.4 (MANE Select); coding-DNA position 71, T replaced by G.
Protein change: p.Val24Gly; replaces valine 24 with glycine.
Molecular consequence: missense variant.
Genome position (GRCh38, 1-based): chr3:52,409,605, A>C on the plus strand (T>G on the coding strand, the complement: BAP1 is on the minus strand). VCF-style: chr3-52409605-A-C. GRCh37 (hg19) VCF-style: chr3-52443621-A-C.
Other names: short protein forms V24G.
Identifiers: ClinVar variation 1320797 (VCV001320797.2), dbSNP rs2153228554, ClinGen allele CA353114748.